The following is an entry in ClinVar:

ClinVar aggregate classification (germline): Pathogenic/Likely pathogenic; other. Review status: criteria provided, multiple submitters, no conflicts (2 of 4 stars). 8 submissions from 8 submitters: Pathogenic (1); Likely pathogenic (3). 3 of the submissions do not count toward it. Last evaluated 2026-01-07.

Conditions:
UGT1A1-related disorder. Also called: UGT1A1-related condition; UGT1A1-related disorders.
Gilbert syndrome. Also called: Gilbert's syndrome; Gilbert Disease; HYPERBILIRUBINEMIA, GILBERT TYPE; HYPERBILIRUBINEMIA I; HYPERBILIRUBINEMIA, ARIAS TYPE. Identifiers: MedGen C0017551, MONDO:0007745, OMIM 143500.
Crigler-Najjar syndrome type 1. Also called: HYPERBILIRUBINEMIA, CRIGLER-NAJJAR TYPE I. Identifiers: Orphanet 79234, MedGen C0010324, MONDO:0021020, OMIM 218800.
Lucey-Driscoll syndrome (HBLRTFN). Also called: Transient familial neonatal hyperbilirubinemia. Identifiers: Orphanet 2312, MedGen C0270210, MONDO:0009383, OMIM 237900.
Crigler-Najjar syndrome, type II. Also called: Crigler Najjar syndrome, type 2; Mutation in the UDP-glucuronosyl-transferase gene; HYPERBILIRUBINEMIA, CRIGLER-NAJJAR TYPE II. Identifiers: Orphanet 205, Orphanet 79235, MedGen C2931132, MONDO:0011725, OMIM 606785.
BILIRUBIN, SERUM LEVEL OF, QUANTITATIVE TRAIT LOCUS 1 (BILIQTL1). Identifiers: MedGen C1866173, OMIM 601816.

Allele frequency attached by ClinVar (database versions not stated): gnomAD exomes 0.00006 and 0.00005; ExAC 0.00002; TOPMed 0.00004.
gnomAD v4.1: 105 of 1,613,198 alleles (0.0065%); highest among the groups gnomAD compares: Non-Finnish European, 0.0075%; no homozygotes.

Submissions (8):

Labcorp Genetics (formerly Invitae), Labcorp
Classification: Likely pathogenic. Last evaluated: 2026-01-07. Review status: criteria provided, single submitter. Criteria: Invitae Variant Classification Sherloc (09022015). Collection method: clinical testing. Allele origin: germline.
Comment: This sequence change replaces leucine, which is neutral and non-polar, with glutamine, which is neutral and polar, at codon 175 of the UGT1A1 protein (p.Leu175Gln). This variant is present in population databases (rs72551341, gnomAD 0.009%). This missense change has been observed in individual(s) with UGT1A1-related conditions (PMID: 7989595, 11013440, 11370628, 23290513). In at least one individual the data is consistent with being in trans (on the opposite chromosome) from a pathogenic variant. This variant is also known as *12. ClinVar contains an entry for this variant (Variation ID: 12285). Invitae Evidence Modeling of protein sequence and biophysical properties (such as structural, functional, and spatial information, amino acid conservation, physicochemical variation, residue mobility, and thermodynamic stability) indicates that this missense variant is not expected to disrupt UGT1A1 protein function with a negative predictive value of 80%. Experimental studies have shown that this missense change affects UGT1A1 function (PMID: 7989595, 9028453, 19830808). In summary, the currently available evidence indicates that the variant is pathogenic, but additional data are needed to prove that conclusively. Therefore, this variant has been classified as Likely Pathogenic.

ARUP Laboratories, Molecular Genetics and Genomics, ARUP Laboratories
Classification: Likely pathogenic. Last evaluated: 2025-02-07. Review status: criteria provided, single submitter. Criteria: ARUP Molecular Germline Variant Investigation Process 2024. Collection method: clinical testing. Allele origin: germline.
Comment: The UGT1A1 c.524T>A; p.Leu175Gln variant (rs72551341) is reported in the literature in the homozygous or compound heterozygous state in individuals affected with Crigler-Najjar syndrome type II (Kadakol 2001, Seppen 1994). Functional analyses of the variant protein show significantly reduced bilirubin glucuronidation activity (Seppen 1994, Sneitz 2010). This variant is also reported in ClinVar (Variation ID: 12285). This variant is found in the non-Finnish European population with an allele frequency of 0.009% (11/113682 alleles) in the Genome Aggregation Database. The leucine at codon 175 is moderately conserved, and computational analyses are uncertain whether this variant is neutral or deleterious (REVEL: 0.494). Based on available information, this variant is considered to be likely pathogenic. References: Kadakol A et al. Interaction of coding region mutations and the Gilbert-type promoter abnormality of the UGT1A1 gene causes moderate degrees of unconjugated hyperbilirubinaemia and may lead to neonatal kernicterus. J Med Genet. 2001 Apr;38(4):244-9. PMID: 11370628. Seppen J et al. Discrimination between Crigler-Najjar type I and II by expression of mutant bilirubin uridine diphosphate-glucuronosyltransferase. J Clin Invest. 1994 Dec;94(6):2385-91. PMID: 7989595. Sneitz N et al. Crigler-Najjar syndrome in The Netherlands: identification of four novel UGT1A1 alleles, genotype-phenotype correlation, and functional analysis of 10 missense mutants. Hum Mutat. 2010 Jan;31(1):52-9. PMID: 19830808.

Fulgent Genetics
Classification: Likely pathogenic for Gilbert syndrome; Crigler-Najjar syndrome type 1; Lucey-Driscoll syndrome; BILIRUBIN, SERUM LEVEL OF, QUANTITATIVE TRAIT LOCUS 1; Crigler-Najjar syndrome, type II. Last evaluated: 2024-05-23. Review status: criteria provided, single submitter. Criteria: ACMG Guidelines, 2015. Collection method: clinical testing. Allele origin: germline.

Blueprint Genetics
Classification: Pathogenic for UGT1A1-related disorders. Last evaluated: 2023-08-28. Review status: criteria provided, single submitter. Criteria: ACMG Guidelines, 2015. Collection method: clinical testing. Allele origin: germline. Affected: yes. Observed: 5 variant alleles.

Eurofins Ntd Llc (ga)
Classification: other. Last evaluated: 2018-03-08. Review status: criteria provided, single submitter. Criteria: EGL ClinVar v180209 classification definitions. Collection method: clinical testing. Allele origin: germline. Observed: 2 variant alleles, 2 heterozygotes.

PreventionGenetics, part of Exact Sciences
Classification: Pathogenic for UGT1A1-related condition. Last evaluated: 2024-07-10. Review status: no assertion criteria provided. Collection method: clinical testing. Allele origin: germline. Not counted in ClinVar's aggregate classification.
Comment: The UGT1A1 c.524T>A variant is predicted to result in the amino acid substitution p.Leu175Gln. This variant has been reported to be causative for Crigler-Najjar type 2 in the homozygous or compound heterozygous state (Seppen et al. 1994. PubMed ID: 7989595; Kadakol et al. 2001. PubMed ID: 11370628). In vitro functional analysis indicated that the p.Leu175Gln change results in a significant loss of enzymatic activity (~4.6% of wild type) (Sneitz et al. 2010. PubMed ID: 19830808). This variant is reported in 0.0097% of alleles in individuals of European (Non-Finnish) descent in gnomAD. We classify this variant as pathogenic.

OMIM
Classification: Pathogenic for CRIGLER-NAJJAR SYNDROME, TYPE II. Last evaluated: 2001-04-01. Review status: no assertion criteria provided. Collection method: literature only. Allele origin: germline. Not counted in ClinVar's aggregate classification.

Revvity Omics, Revvity
Classification: Uncertain significance. Last evaluated: 2024-03-19. Review status: flagged submission. Criteria: ACMG Guidelines, 2015. Collection method: clinical testing. Allele origin: germline. Not counted in ClinVar's aggregate classification.
ClinVar note: Reason: Outlier claim with insufficient supporting evidence

Literature cited by the submitters: PubMed 7989595 (cited by Labcorp Genetics (formerly Invitae), Labcorp); PubMed 11013440 (cited by Labcorp Genetics (formerly Invitae), Labcorp); PubMed 11370628 (cited by Labcorp Genetics (formerly Invitae), Labcorp and OMIM); PubMed 23290513 (cited by Labcorp Genetics (formerly Invitae), Labcorp); PubMed 9028453 (cited by Labcorp Genetics (formerly Invitae), Labcorp); PubMed 19830808 (cited by Labcorp Genetics (formerly Invitae), Labcorp).

NM_000463.3(UGT1A1):c.524T>A (p.Leu175Gln)

Genes: UGT1A (UDP glucuronosyltransferase family 1 member A complex locus; plus strand), UGT1A1 (UDP glucuronosyltransferase family 1 member A1; plus strand), UGT1A10 (UDP glucuronosyltransferase family 1 member A10; plus strand), UGT1A3 (UDP glucuronosyltransferase family 1 member A3; plus strand), UGT1A4 (UDP glucuronosyltransferase family 1 member A4; plus strand) and 5 more. Cytogenetic location: 2q37.1.
Variant type: single nucleotide variant.
Coding change: c.524T>A on transcript NM_000463.3 (MANE Select); coding-DNA position 524, T replaced by A.
Protein change: p.Leu175Gln; replaces leucine 175 with glutamine.
Molecular consequence: missense variant. On other transcripts: intron variant (9).
Genome position (GRCh38, 1-based): chr2:233,760,811, T>A. VCF-style: chr2-233760811-T-A. GRCh37 (hg19) VCF-style: chr2-234669457-T-A.
Other names: c.856-6223T>A (NM_019076.5, NM_019075.4, NM_021027.3 and 1 more transcripts); c.61-6223T>A (NM_205862.3); c.862-6223T>A (NM_001072.4); c.868-6223T>A (NM_019078.2, NM_007120.3, NM_019093.4); short protein forms L175Q.
Identifiers: ClinVar variation 12285 (VCV000012285.29), dbSNP rs72551341, ClinGen allele CA122102.
Genomic context (GRCh38, chr2:233,760,811, plus strand): 5'-CTTGCAGCCCCATCGTGGCCCAGTACCTGTCTCTGCCCACTGTATTCTTCTTGCATGCAC[T>A]GCCATGCAGCCTGGAATTTGAGGCTACCCAGTGCCCCAACCCATTCTCCTACGTGCCCAG-3'
Protein context (NP_000454.1, residues 165-185): SLPTVFFLHA[Leu175Gln]PCSLEFEATQ